The following is an entry in ClinVar:

ClinVar aggregate classification (germline): Uncertain significance. Review status: criteria provided, multiple submitters, no conflicts (2 of 4 stars). 2 submissions from 2 submitters: Uncertain significance (2). Last evaluated 2021-09-02.

Conditions:
Developmental and epileptic encephalopathy, 1 (DEE1). Also called: OHTAHARA SYNDROME, X-LINKED; X-linked infantile spasms; West's syndrome; Tonic spasms with clustering, arrest of psychomotor development and hypsarrhythmia on EEG; X-Linked Infantile Spasm Syndrome; INFANTILE SPASM SYNDROME, X-LINKED 1. Identifiers: MedGen C3463992, MONDO:0010632, OMIM 308350. Disease mechanism: loss of function.
Autosomal recessive spinocerebellar ataxia 12. Also called: SPINOCEREBELLAR ATAXIA WITH MENTAL RETARDATION AND EPILEPSY. Identifiers: Orphanet 284282, MedGen C3280452, MONDO:0013687, OMIM 614322.

Allele frequency attached by ClinVar (database versions not stated): gnomAD exomes below 0.00001 and 0.00001; ExAC 0.00001; TOPMed 0.00001.
gnomAD v4.1: 4 of 1,613,956 alleles (0.00025%); highest among the groups gnomAD compares: Admixed American, 0.005%; no homozygotes.

Submissions (2):

Labcorp Genetics (formerly Invitae), Labcorp
Classification: Uncertain significance for Developmental and epileptic encephalopathy, 1; Autosomal recessive spinocerebellar ataxia 12. Last evaluated: 2021-09-02. Review status: criteria provided, single submitter. Criteria: Invitae Variant Classification Sherloc (09022015). Collection method: clinical testing. Allele origin: germline.

GeneDx
Classification: Uncertain significance. Last evaluated: 2019-04-24. Review status: criteria provided, single submitter. Criteria: GeneDx Variant Classification Process June 2021. Collection method: clinical testing. Allele origin: germline. Affected: yes.
Comment: Not observed at a significant frequency in large population cohorts (Lek et al., 2016); In silico analysis, which includes protein predictors and evolutionary conservation, supports a deleterious effect; Has not been previously published as pathogenic or benign to our knowledge

NM_016373.4(WWOX):c.767T>C (p.Ile256Thr)

Gene: WWOX (WW domain containing oxidoreductase; plus strand). Cytogenetic location: 16q23.1.
Variant type: single nucleotide variant.
Coding change: c.767T>C on transcript NM_016373.4 (MANE Select); coding-DNA position 767, T replaced by C.
Protein change: p.Ile256Thr; replaces isoleucine 256 with threonine.
Molecular consequence: missense variant.
Genome position (GRCh38, 1-based): chr16:78,425,031, T>C. VCF-style: chr16-78425031-T-C. GRCh37 (hg19) VCF-style: chr16-78458928-T-C.
Other names: c.428T>C, p.Ile143Thr (NM_001291997.2); short protein forms I256T, I143T.
Identifiers: ClinVar variation 426416 (VCV000426416.7), dbSNP rs775895501, ClinGen allele CA8183452.
Genomic context (GRCh38, chr16:78,425,031, plus strand): 5'-ACTTCTACCTTGTCCAGCTCCTCCAGGATGTTTTGTGCCGCTCAGCTCCTGCCCGTGTCA[T>C]TGTGGTCTCCTCAGAGTCCCATCGGTGGGTTTGAATTGCATATTTGTTCACTTATCCCCT-3'
Protein context (NP_057457.1, residues 246-266): VLCRSAPARV[Ile256Thr]VVSSESHRFT